The following is an entry in ClinVar:

ClinVar aggregate classification (germline): Uncertain significance (1 of 4 stars; one submission).

Submission:

Labcorp Genetics (formerly Invitae), Labcorp
Classification: Uncertain significance. Last evaluated: 2025-10-09. Review status: criteria provided, single submitter. Criteria: Invitae Variant Classification Sherloc (09022015). Collection method: clinical testing. Allele origin: germline.
Comment: This sequence change replaces isoleucine, which is neutral and non-polar, with valine, which is neutral and non-polar, at codon 93 of the KLHL9 protein (p.Ile93Val). This variant is not present in population databases (gnomAD no frequency). This variant has not been reported in the literature in individuals affected with KLHL9-related conditions. Invitae Evidence Modeling of protein sequence and biophysical properties (such as structural, functional, and spatial information, amino acid conservation, physicochemical variation, residue mobility, and thermodynamic stability) indicates that this missense variant is not expected to disrupt KLHL9 protein function with a negative predictive value of 80%. In summary, the available evidence is currently insufficient to determine the role of this variant in disease. Therefore, it has been classified as a Variant of Uncertain Significance.

NM_018847.4(KLHL9):c.277A>G (p.Ile93Val)

Gene: KLHL9 (kelch like family member 9; minus strand). Cytogenetic location: 9p21.3.
Variant type: single nucleotide variant.
Coding change: c.277A>G on transcript NM_018847.4 (MANE Select); coding-DNA position 277, A replaced by G.
Protein change: p.Ile93Val; replaces isoleucine 93 with valine.
Molecular consequence: missense variant.
Genome position (GRCh38, 1-based): chr9:21,334,583, T>C on the plus strand (A>G on the coding strand, the complement: KLHL9 is on the minus strand). VCF-style: chr9-21334583-T-C. GRCh37 (hg19) VCF-style: chr9-21334582-T-C.
Other names: short protein forms I93V.
Identifiers: ClinVar variation 4743843 (VCV004743843.1).
Genomic context (GRCh38, chr9:21,334,583, plus strand): 5'-CAGTATAAATAAAATCAATGATTTTCTTCAGACCAACCTTGTTCACCCCATGAAGCTTAA[T>C]GCACATCAAATCTTGTTCTTTCATTCCACCTGTGAACATGGCTTTGAAATAATCACTAGC-3'
Protein context (NP_061335.1, residues 83-103): GGMKEQDLMC[Ile93Val]KLHGVNKVGL